The following is an entry in ClinVar:

NM_014334.4(FRRS1L):c.-81G>A

Gene: FRRS1L (ferric chelate reductase 1 like; minus strand). Cytogenetic location: 9q31.3.
Variant type: single nucleotide variant.
Coding change: c.-81G>A on transcript NM_014334.4 (MANE Select); 81 bases upstream of the start codon, G replaced by A.
Molecular consequence: 5 prime UTR variant.
Genome position (GRCh38, 1-based): chr9:109,167,219, C>T on the plus strand (G>A on the coding strand, the complement: FRRS1L is on the minus strand). VCF-style: chr9-109167219-C-T. GRCh37 (hg19) VCF-style: chr9-111929499-C-T.
Identifiers: ClinVar variation 582034 (VCV000582034.9), dbSNP rs1257708797, ClinGen allele CA374431001.

ClinVar aggregate classification (germline): Uncertain significance (1 of 4 stars; one submission).

Conditions:
Developmental and epileptic encephalopathy, 37 (DEE37). Also called: Epileptic encephalopathy, early infantile, 37. Identifiers: MedGen C4310770, MONDO:0014859, OMIM 616981.

Submission:

Labcorp Genetics (formerly Invitae), Labcorp
Classification: Uncertain significance for Developmental and epileptic encephalopathy, 37. Last evaluated: 2022-08-16. Review status: criteria provided, single submitter. Criteria: Invitae Variant Classification Sherloc (09022015). Collection method: clinical testing. Allele origin: germline.
Comment: This variant is not present in population databases (gnomAD no frequency). In summary, the available evidence is currently insufficient to determine the role of this variant in disease. Therefore, it has been classified as a Variant of Uncertain Significance. Algorithms developed to predict the effect of sequence changes on RNA splicing suggest that this variant may create or strengthen a splice site. Algorithms developed to predict the effect of missense changes on protein structure and function are either unavailable or do not agree on the potential impact of this missense change (SIFT: "Deleterious"; PolyPhen-2: "Not Available"; Align-GVGD: "Class C0"). ClinVar contains an entry for this variant (Variation ID: 582034). This variant has not been reported in the literature in individuals affected with FRRS1L-related conditions. This sequence change replaces glycine, which is neutral and non-polar, with serine, which is neutral and polar, at codon 25 of the FRRS1L protein (p.Gly25Ser).